The following is an entry in ClinVar:

NM_001080.3(ALDH5A1):c.589G>A (p.Val197Met)

Gene: ALDH5A1 (aldehyde dehydrogenase 5 family member A1; plus strand). Cytogenetic location: 6p22.3.
Variant type: single nucleotide variant.
Coding change: c.589G>A on transcript NM_001080.3 (MANE Select); coding-DNA position 589, G replaced by A.
Protein change: p.Val197Met; replaces valine 197 with methionine.
Molecular consequence: missense variant.
Genome position (GRCh38, 1-based): chr6:24,503,413, G>A. VCF-style: chr6-24503413-G-A. GRCh37 (hg19) VCF-style: chr6-24503641-G-A.
Other names: c.589G>A, p.Val197Met (NM_001368954.1, NM_170740.1); short protein forms V197M.
Identifiers: ClinVar variation 356132 (VCV000356132.27), dbSNP rs768219929, ClinGen allele CA3656663.
Genomic context (GRCh38, chr6:24,503,413, plus strand): 5'-GACATTATCCACACCCCGGCAAAGGACAGGCGGGCCCTGGTCCTCAAGCAGCCCATAGGC[G>A]TGGCTGCAGTCATCACCCCGGTAGGTGACAGGATCAGCAAGATCCTAGGGTGGGAGATTG-3'
Protein context (NP_001071.1, residues 187-207): RALVLKQPIG[Val197Met]AAVITPWNFP

ClinVar aggregate classification (germline): Conflicting classifications of pathogenicity. Review status: criteria provided, conflicting classifications (1 of 4 stars). 11 submissions from 11 submitters: Likely pathogenic (2); Uncertain significance (7); Likely benign (1). 1 of the submissions does not count toward it. Last evaluated 2026-02-02.

Conditions:
Inborn genetic diseases. Identifiers: MedGen C0950123, MeSH D030342.
Succinate-semialdehyde dehydrogenase deficiency (SSADHD). Also called: GABA METABOLIC DEFECT; SSADH DEFICIENCY; 4-HYDROXYBUTYRIC ACIDURIA; Succinic Semialdehyde Dehydrogenase Deficiency. Identifiers: Orphanet 22, MedGen C0268631, MONDO:0010083, OMIM 271980.

Allele frequency attached by ClinVar (database versions not stated): ExAC 0.00002; gnomAD 0.00003 and 0.00004; gnomAD exomes 0.00004; TOPMed 0.00012.
gnomAD v4.1: 103 of 1,613,018 alleles (0.0064%); highest among the groups gnomAD compares: Middle Eastern, 0.066%; no homozygotes.

Submissions (11):

Labcorp Genetics (formerly Invitae), Labcorp
Classification: Uncertain significance for Succinate-semialdehyde dehydrogenase deficiency. Last evaluated: 2026-02-02. Review status: criteria provided, single submitter. Criteria: Invitae Variant Classification Sherloc (09022015). Collection method: clinical testing. Allele origin: germline.
Comment: This sequence change replaces valine, which is neutral and non-polar, with methionine, which is neutral and non-polar, at codon 197 of the ALDH5A1 protein (p.Val197Met). This variant is present in population databases (rs768219929, gnomAD 0.01%). This missense change has been observed in individual(s) with succinic semialdehyde dehydrogenase (PMID: 25431891). ClinVar contains an entry for this variant (Variation ID: 356132). Invitae Evidence Modeling of protein sequence and biophysical properties (such as structural, functional, and spatial information, amino acid conservation, physicochemical variation, residue mobility, and thermodynamic stability) has been performed for this missense variant. However, the output from this modeling did not meet the statistical confidence thresholds required to predict the impact of this variant on ALDH5A1 protein function. In summary, the available evidence is currently insufficient to determine the role of this variant in disease. Therefore, it has been classified as a Variant of Uncertain Significance.

Ambry Genetics
Classification: Likely pathogenic for Inborn genetic diseases. Last evaluated: 2025-03-25. Review status: criteria provided, single submitter. Criteria: Ambry Variant Classification Scheme 2023. Collection method: clinical testing. Allele origin: germline.
Comment: The c.589G>A (p.V197M) alteration is located in exon 3 (coding exon 3) of the ALDH5A1 gene. This alteration results from a G to A substitution at nucleotide position 589, causing the valine (V) at amino acid position 197 to be replaced by a methionine (M). Based on data from gnomAD, the A allele has an overall frequency of 0.004% (12/281530) total alleles studied. The highest observed frequency was 0.014% (5/35406) of Latino alleles. This variant has been identified in conjunction with other ALDH5A1 variant(s) in individual(s) with features consistent with succinic semialdehyde dehydrogenase deficiency; in at least one instance, the variants were identified in trans (Liu, 2016). This amino acid position is highly conserved in available vertebrate species. This alteration is predicted to be deleterious by in silico analysis. Based on the available evidence, this alteration is classified as likely pathogenic.

3billion
Classification: Likely benign for Succinate-semialdehyde dehydrogenase deficiency. Last evaluated: 2024-09-20. Review status: criteria provided, single submitter. Criteria: ACMG Guidelines, 2015. Collection method: clinical testing. Allele origin: germline. Affected: no.
Comment: The homozygous variant was found in patients diagnosed with another variant in a different gene, with no symptoms related to the gene containing the homozygous variant.

Blueprint Genetics
Classification: Uncertain significance. Last evaluated: 2024-07-26. Review status: criteria provided, single submitter. Criteria: ACMG Guidelines, 2015. Collection method: clinical testing. Allele origin: germline.

GeneDx
Classification: Uncertain significance. Last evaluated: 2024-03-11. Review status: criteria provided, single submitter. Criteria: GeneDx Variant Classification Process June 2021. Collection method: clinical testing. Allele origin: germline. Affected: yes.
Comment: In silico analysis supports that this missense variant has a deleterious effect on protein structure/function; This variant is associated with the following publications: (PMID: 26268900, 27268762, 12743223, 32402538, 34426522, 33203024, 25431891)

Women's Health and Genetics/Laboratory Corporation of America, LabCorp
Classification: Uncertain significance. Last evaluated: 2024-02-15. Review status: criteria provided, single submitter. Criteria: LabCorp Variant Classification Summary - May 2015. Collection method: clinical testing. Allele origin: germline.
Comment: Variant summary: ALDH5A1 c.589G>A (p.Val197Met) results in a conservative amino acid change located in the Aldehyde dehydrogenase domain (IPR015590) of the encoded protein sequence. Four of five in-silico tools predict a damaging effect of the variant on protein function. The variant allele was found at a frequency of 4.4e-05 in 250134 control chromosomes. c.589G>A has been reported in the literature in trans along with an apparently VUS missense in an individual affected with Succinic Semialdehyde Dehydrogenase Deficiency (Liu_2016). These report(s) do not provide unequivocal conclusions about association of the variant with Succinic Semialdehyde Dehydrogenase Deficiency. To our knowledge, no experimental evidence demonstrating an impact on protein function has been reported. The following publication have been ascertained in the context of this evaluation (PMID: 25431891).ClinVar contains an entry for this variant (Variation ID: 356132). Based on the evidence outlined above, the variant was classified as uncertain significance.

Elsea Laboratory, Baylor College of Medicine
Classification: Likely pathogenic for Succinate-semialdehyde dehydrogenase deficiency. Last evaluated: 2021-03-08. Review status: criteria provided, single submitter. Criteria: Martin et al. (J Child Neurol. 2021). Collection method: curation. Allele origin: germline. Affected: yes.
Comment: NAD binding domain

New York Genome Center
Classification: Uncertain significance for Succinate-semialdehyde dehydrogenase deficiency. Last evaluated: 2020-06-05. Review status: criteria provided, single submitter. Criteria: NYGC Assertion Criteria 2020. Collection method: clinical testing. Allele origin: germline. Observed: 1 heterozygote. Study: CSER-NYCKidSeq.

Eurofins Ntd Llc (ga)
Classification: Uncertain significance. Last evaluated: 2017-11-14. Review status: criteria provided, single submitter. Criteria: EGL Classification Definitions 2015. Collection method: clinical testing. Allele origin: germline. Observed: 1 variant allele, 1 heterozygote.

Breakthrough Genomics
Classification: Uncertain significance. Review status: criteria provided, single submitter. Criteria: ACMG Guidelines, 2015. Collection method: not provided. Allele origin: germline. Inheritance: Autosomal recessive inheritance. Affected: yes.

Department of Pathology and Laboratory Medicine, Sinai Health System
Classification: Uncertain significance. Review status: no assertion criteria provided. Collection method: clinical testing. Allele origin: unknown. Affected: yes. Study: The Canadian Open Genetics Repository (COGR). Not counted in ClinVar's aggregate classification.
Comment: The ALDH5A1 p.Val197Met variant was identified in dbSNP (ID: rs768219929) as "With Uncertain significance allele" and in Clinvar (classified as VUS by Ambry Genetics, Illumina Clinical Services, and EGL Diagnostics with the associated conditions of Succinate-semialdehyde dehydrogenase deficiency and inborn genetic diseases). The variant was not identified in Cosmic and LOVD 3.0 databases. The variant was also found in control databases in 12 of 281530 chromosomes at a frequency of 0.000043 (Genome Aggregation Database Feb 27, 2017), in the following populations: Latino in 5 of 35406 chromosomes (freq: 0.000141), Other in 1 of 7202 chromosomes (freq: 0.000139), African in 2 of 24914 chromosomes (freq: 0.00008) and European (non-Finnish) in 4 of 128826 chromosomes (freq: 0.000031), while the variant was not observed in the Ashkenazi Jewish, East Asian, European (Finnish) and South Asian populations. The proband was identified to have compound heterozygous mutations c.496T>C (p.W166R) and c.589G>A (p.V197M). DNA sequencing of chorionic villus revealed the fetus was a carrier and this was confirmed after birth by genetic analysis of umbilical cord blood and urine organic acid analysis (Liu_2016_PMID: 25431891). The variant occurs outside of the splicing consensus sequence and 1 of 4 in silico or computational prediction software programs (SpliceSiteFinder) predict a greater than 10% difference in splicing (gain of a 5' splice site at c.586). The p.Val197 residue is conserved in mammals and computational analyses (PolyPhen-2, SIFT, AlignGVGD, BLOSUM, MutationTaster) provide inconsistent predictions regarding the impact to the protein; this information is not very predictive of pathogenicity. In summary, based on the above information the clinical significance of this variant cannot be determined with certainty at this time. This variant is classified as a variant of uncertain significance.

Literature cited by the submitters: PubMed 25431891 (cited by 4 submitters); PubMed 33203024 (cited by Elsea Laboratory, Baylor College of Medicine).